The following is an entry in ClinVar:

NM_015158.5(KANK1):c.2110G>A (p.Asp704Asn)

Gene: KANK1 (KN motif and ankyrin repeat domains 1; plus strand). Cytogenetic location: 9p24.3.
Variant type: single nucleotide variant.
Coding change: c.2110G>A on transcript NM_015158.5 (MANE Select); coding-DNA position 2110, G replaced by A.
Protein change: p.Asp704Asn; replaces aspartic acid 704 with asparagine.
Molecular consequence: missense variant. On other transcripts: non-coding transcript variant (1).
Genome position (GRCh38, 1-based): chr9:712,876, G>A. VCF-style: chr9-712876-G-A. GRCh37 (hg19) VCF-style: chr9-712876-G-A.
Other names: c.2110G>A, p.Asp704Asn (NM_001256876.3, NM_001256877.3, NM_001354331.2 and 2 more transcripts); c.1636G>A, p.Asp546Asn (NM_001354333.2, NM_001354335.2, NM_001354336.2 and 9 more transcripts); c.2110G>A (NM_015158.2); short protein forms D704N, D546N.
Identifiers: ClinVar variation 1466362 (VCV001466362.10), dbSNP rs774952373, ClinGen allele CA4960420.

ClinVar aggregate classification (germline): Conflicting classifications of pathogenicity. Review status: criteria provided, conflicting classifications (1 of 4 stars). 2 submissions from 2 submitters: Uncertain significance (1); Likely benign (1). Last evaluated 2025-01-06.

Allele frequency attached by ClinVar (database versions not stated): gnomAD 0.00001; gnomAD exomes 0.00001 and 0.00006; TOPMed 0.00002; ExAC 0.00005.
gnomAD v4.1: 16 of 1,613,824 alleles (0.00099%); highest among the groups gnomAD compares: East Asian, 0.036%; no homozygotes.

Submissions (2):

Labcorp Genetics (formerly Invitae), Labcorp
Classification: Uncertain significance. Last evaluated: 2025-01-06. Review status: criteria provided, single submitter. Criteria: Invitae Variant Classification Sherloc (09022015). Collection method: clinical testing. Allele origin: germline.
Comment: This sequence change replaces aspartic acid, which is acidic and polar, with asparagine, which is neutral and polar, at codon 704 of the KANK1 protein (p.Asp704Asn). This variant is present in population databases (rs774952373, gnomAD 0.07%), and has an allele count higher than expected for a pathogenic variant. This variant has not been reported in the literature in individuals affected with KANK1-related conditions. ClinVar contains an entry for this variant (Variation ID: 1466362). Invitae Evidence Modeling of protein sequence and biophysical properties (such as structural, functional, and spatial information, amino acid conservation, physicochemical variation, residue mobility, and thermodynamic stability) indicates that this missense variant is not expected to disrupt KANK1 protein function with a negative predictive value of 80%. In summary, the available evidence is currently insufficient to determine the role of this variant in disease. Therefore, it has been classified as a Variant of Uncertain Significance.

Ambry Genetics
Classification: Likely benign. Last evaluated: 2024-05-30. Review status: criteria provided, single submitter. Criteria: Ambry Variant Classification Scheme 2023. Collection method: clinical testing. Allele origin: germline.

Literature cited by the submitters: PubMed 28106320 (cited by Ambry Genetics).